The following is an entry in ClinVar:

NM_001127221.2(CACNA1A):c.5586del (p.Leu1863fs)

Gene: CACNA1A (calcium voltage-gated channel subunit alpha1 A; minus strand). Cytogenetic location: 19p13.13.
Variant type: Deletion.
Coding change: c.5586del on transcript NM_001127221.2 (MANE Plus Clinical); coding-DNA position 5586, one base deleted (T; older notation c.5586delT).
Protein change: p.Leu1863fs; shifts the reading frame from leucine 1863.
Molecular consequence: frameshift variant. On other transcripts: intron variant (4).
Genome position (GRCh38, 1-based): chr19:13,228,741, A deleted on the plus strand (T on the coding strand, the reverse complement: CACNA1A is on the minus strand). VCF-style (leftmost placement, unchanged base first): chr19-13228740-GA-G. GRCh37 (hg19) VCF-style: chr19-13339554-GA-G.
Other names: c.5529-1214del (NM_001127222.2); c.5538-1214del (NM_001174080.2); c.5547-1214del (NM_000068.4, NM_023035.3); short protein forms L1863fs.
Identifiers: ClinVar variation 1450975 (VCV001450975.6), dbSNP rs2144616676, ClinGen allele CA2573156107.

ClinVar aggregate classification (germline): Pathogenic (1 of 4 stars; one submission).

Conditions:
Episodic ataxia type 2 (EA2). Also called: ACETAZOLAMIDE-RESPONSIVE HEREDITARY PAROXYSMAL CEREBELLAR ATAXIA; EPISODIC ATAXIA, NYSTAGMUS-ASSOCIATED; ATAXIA, EPISODIC, WITH NYSTAGMUS; ATAXIA, FAMILIAL PAROXYSMAL; CEREBELLAR ATAXIA, PAROXYSMAL, ACETAZOLAMIDE-RESPONSIVE; CEREBELLOPATHY, HEREDITARY PAROXYSMAL. Identifiers: Orphanet 97, MedGen C1720416, MONDO:0007163, OMIM 108500.
Developmental and epileptic encephalopathy, 42 (DEE42A). Also called: DEVELOPMENTAL AND EPILEPTIC ENCEPHALOPATHY 42A; EPILEPTIC ENCEPHALOPATHY, EARLY INFANTILE, 42A; Epileptic encephalopathy, early infantile, 42. Identifiers: MedGen C4310716, MONDO:0014917, OMIM 617106.

Submission:

Labcorp Genetics (formerly Invitae), Labcorp
Classification: Pathogenic for Developmental and epileptic encephalopathy, 42; Episodic ataxia type 2. Last evaluated: 2022-10-17. Review status: criteria provided, single submitter. Criteria: Invitae Variant Classification Sherloc (09022015). Collection method: clinical testing. Allele origin: germline.
Comment: This sequence change creates a premature translational stop signal (p.Leu1863Serfs*3) in the CACNA1A gene. It is expected to result in an absent or disrupted protein product. Loss-of-function variants in CACNA1A are known to be pathogenic (PMID: 10371528, 19486177, 25735478, 27250579). This variant is not present in population databases (gnomAD no frequency). This variant has not been reported in the literature in individuals affected with CACNA1A-related conditions. ClinVar contains an entry for this variant (Variation ID: 1450975). For these reasons, this variant has been classified as Pathogenic.

Literature cited by the submitters: PubMed 10371528; PubMed 19486177; PubMed 25735478; PubMed 27250579.